The following is an entry in ClinVar:

NM_025114.4(CEP290):c.7328_7332del (p.Glu2443fs)

Genes: CEP290 (centrosomal protein 290; minus strand), RLIG1 (RNA 5'-phosphate and 3'-OH ligase 1; plus strand). Cytogenetic location: 12q21.32.
Variant type: Microsatellite.
Coding change: c.7328_7332del on transcript NM_025114.4 (MANE Select); coding-DNA positions 7328 to 7332, 5 bases deleted (AGAAG; older notation c.7328_7332delAGAAG).
Protein change: p.Glu2443fs; shifts the reading frame from glutamic acid 2443.
Molecular consequence: frameshift variant. On other transcripts: 3 prime UTR variant (1).
Genome position (GRCh38, 1-based): chr12:88,049,292-88,049,296, CTTCT deleted on the plus strand (AGAAG on the coding strand, the reverse complement: CEP290 is on the minus strand); deleting any 5 consecutive bases within chr12:88,049,292-88,049,301 gives the same sequence; the c. name uses the placement nearest the transcript's 3' end. VCF-style (leftmost placement, unchanged base first): chr12-88049291-CCTTCT-C. GRCh37 (hg19) VCF-style: chr12-88443068-CCTTCT-C.
Other names: c.7328_7332delAGAAG (NM_025114.3); c.*870CTTCT[1] (NM_001009894.3); c.7328_7332del5 (NM_025114.3); short protein forms E2443fs.
Identifiers: ClinVar variation 856893 (VCV000856893.21), dbSNP rs747138345, ClinGen allele CA6711289.

ClinVar aggregate classification (germline): Pathogenic/Likely pathogenic. Review status: criteria provided, multiple submitters, no conflicts (2 of 4 stars). 10 submissions from 10 submitters: Pathogenic (8); Likely pathogenic (1). 1 of the submissions does not count toward it. Last evaluated 2025-10-08.

Conditions:
Inborn errors of metabolism. Also called: Inborn error of metabolism. Identifiers: Orphanet 68367, MedGen C0025521, MONDO:0019052.
Meckel syndrome, type 4 (MKS4). Also called: MECKEL-GRUBER SYNDROME, TYPE 4. Identifiers: Orphanet 564, MedGen C1970161, MONDO:0012626, OMIM 611134.
Senior-Loken syndrome 6 (SLSN6). Identifiers: Orphanet 3156, MedGen C1857779, MONDO:0012433, OMIM 610189.
Joubert syndrome 5 (JBTS5). Identifiers: Orphanet 2318, MedGen C1857780, MONDO:0012432, OMIM 610188.
Bardet-Biedl syndrome 14 (BBS14). Identifiers: Orphanet 110, MedGen C2673874, MONDO:0014442, OMIM 615991.
Leber congenital amaurosis 10 (LCA10). Identifiers: Orphanet 65, MedGen C1857821, MONDO:0012723, OMIM 611755.
CEP290-related ciliopathy. Also called: CEP290 ciliopathy. Identifiers: MedGen CN305601, MONDO:0100451.
CEP290-related disorder. Also called: CEP290-related disorders; CEP290-related condition. Identifiers: MedGen CN239314.
Joubert syndrome. Also called: JOUBERT-BOLTSHAUSER SYNDROME; Familial aplasia of the vermis. Identifiers: Orphanet 475, MedGen C5979921, MONDO:0018772.
Nephronophthisis. Also called: Juvenile Nephronophthisis. Identifiers: Orphanet 655, MedGen C0687120, MONDO:0019005, HP:0000090.
Meckel-Gruber syndrome. Also called: Dysencephalia splachnocystica; GRUBER SYNDROME; DYSENCEPHALIA SPLANCHNOCYSTICA. Identifiers: Orphanet 564, MedGen C0265215, MONDO:0018921.
Leber congenital amaurosis (LCA). Also called: Leber's amaurosis. Identifiers: Orphanet 65, MedGen C0339527, MeSH D057130, MONDO:0018998.

Submissions (10):

Natera, Inc.
Classification: Pathogenic for Leber congenital amaurosis. Last evaluated: 2025-10-08. Review status: criteria provided, single submitter. Criteria: Natera Variant Classification Schema (03/2026). Collection method: clinical testing. Allele origin: germline.
Comment: The c.7328_7332delAGAAG variant in CEP290 is a frameshift variant predicted to shift the reading frame beginning at codon 2443 and leads to a stop codon 11 codons downstream. This variant is expected to result in nonsense mediated decay, truncation, or a dysfunctional protein product. This variant is rare in the general population with a frequency below the threshold expected for the associated phenotype(s). This variant has been observed in one or more individuals affected with the associated recessive disease, as either homozygous or compound heterozygous with a second variant (PMID: 28157192, 24850569). Given the available evidence, this variant is classified as Pathogenic.

North West Genomic Laboratory Hub, Manchester University NHS Foundation Trust
Classification: Likely pathogenic for Inborn error of metabolism. Last evaluated: 2025-08-05. Review status: criteria provided, single submitter. Criteria: ACGS Best Practice Guidelines for Variant Classification in Rare Disease 2024. Collection method: clinical testing. Allele origin: germline. Affected: yes.
Comment: PVS1_Mod PM2_Mod PP4_Supp PM3_Str

Myriad Genetics, Inc.
Classification: Pathogenic for CEP290-related ciliopathy. Last evaluated: 2025-06-06. Review status: criteria provided, single submitter. Criteria: Myriad Autosomal Dominant, Autosomal Recessive and X-Linked Classification Criteria (2023). Collection method: clinical testing. Allele origin: unknown.
Comment: NM_025114.3(CEP290):c.7328_7332del5(E2443Gfs*11) is a frameshift variant classified as pathogenic in the context of CEP290-related disorders. E2443Gfs*11 has been observed in cases with relevant disease (PMID: 24850569, 28157192, 31370859). Relevant functional assessments of this variant are not available in the literature. E2443Gfs*11 has been observed in referenced population frequency databases. In summary, NM_025114.3(CEP290):c.7328_7332del5(E2443Gfs*11) is a frameshift variant in a gene where loss of function is a known mechanism of disease, is predicted to disrupt protein function, and has been observed more frequently in cases with the relevant disease than in healthy populations. Please note: this variant was assessed in the context of healthy population screening.

Genomic Medicine Center of Excellence, King Faisal Specialist Hospital and Research Centre
Classification: Pathogenic for Leber congenital amaurosis 10. Last evaluated: 2024-09-22. Review status: criteria provided, single submitter. Criteria: ACMG Guidelines, 2015. Collection method: clinical testing. Allele origin: germline.

Baylor Genetics
Classification: Pathogenic for Bardet-Biedl syndrome 14. Last evaluated: 2024-03-19. Review status: criteria provided, single submitter. Criteria: ACMG Guidelines, 2015. Collection method: clinical testing. Allele origin: unknown.

Labcorp Genetics (formerly Invitae), Labcorp
Classification: Pathogenic for Joubert syndrome; Meckel-Gruber syndrome; Nephronophthisis. Last evaluated: 2022-11-01. Review status: criteria provided, single submitter. Criteria: Invitae Variant Classification Sherloc (09022015). Collection method: clinical testing. Allele origin: germline.
Comment: This variant is also known as c.7323_7327delAGAAG. For these reasons, this variant has been classified as Pathogenic. This variant disrupts a region of the CEP290 protein in which other variant(s) (p.Thr2457Alafs*27) have been determined to be pathogenic (PMID: 30193310). This suggests that this is a clinically significant region of the protein, and that variants that disrupt it are likely to be disease-causing. ClinVar contains an entry for this variant (Variation ID: 856893). This premature translational stop signal has been observed in individuals with CEP290-related conditions (PMID: 24850569, 28157192). This variant is present in population databases (rs747138345, gnomAD 0.003%). This sequence change creates a premature translational stop signal (p.Glu2443Glyfs*11) in the CEP290 gene. While this is not anticipated to result in nonsense mediated decay, it is expected to disrupt the last 37 amino acid(s) of the CEP290 protein.

Women's Health and Genetics/Laboratory Corporation of America, LabCorp
Classification: Pathogenic for CEP290-related disorder. Last evaluated: 2022-10-09. Review status: criteria provided, single submitter. Criteria: LabCorp Variant Classification Summary - May 2015. Collection method: clinical testing. Allele origin: germline.
Comment: Variant summary: CEP290 c.7328_7332delAGAAG (p.Glu2443GlyfsX11) results in a premature termination codon, predicted to cause a truncation of the encoded protein. Although the variant is not predicted to cause nonsense mediated decay, the variant disrupts the last 37 amino acids in the native protein sequence. Truncations downstream of this position have been classified as pathogenic within ClinVar (e.g. c.7341_7344dup [p.Ser2449fs]). The variant allele was found at a frequency of 1.6e-05 in 246068 control chromosomes (gnomAD). c.7328_7332delAGAAG has been reported in the literature as a biallelic genotype in individuals affected with CEP290-Related Disorders (e.g. Bravo-Gil_2017, Takahashi_2019, Ganapathi_2022). These data indicate that the variant is likely to be associated with disease. To our knowledge, no experimental evidence demonstrating an impact on protein function has been reported. Two ClinVar submitters have assessed the variant since 2014: both classified the variant as pathogenic. Based on the evidence outlined above, the variant was classified as pathogenic.

Fulgent Genetics
Classification: Pathogenic for Joubert syndrome 5; Senior-Loken syndrome 6; Meckel syndrome, type 4; Leber congenital amaurosis 10; Bardet-Biedl syndrome 14. Last evaluated: 2021-12-16. Review status: criteria provided, single submitter. Criteria: ACMG Guidelines, 2015. Collection method: clinical testing. Allele origin: unknown.

Blueprint Genetics
Classification: Pathogenic for CEP290-related disorders. Last evaluated: 2021-12-14. Review status: criteria provided, single submitter. Criteria: ACMG Guidelines, 2015. Collection method: clinical testing. Allele origin: germline. Affected: yes. Observed: 2 variant alleles.

PreventionGenetics, part of Exact Sciences
Classification: Pathogenic for CEP290-related condition. Last evaluated: 2024-09-23. Review status: no assertion criteria provided. Collection method: clinical testing. Allele origin: germline. Not counted in ClinVar's aggregate classification.
Comment: The CEP290 c.7328_7332del5 variant is predicted to result in a frameshift and premature protein termination (p.Glu2443Glyfs*11). This variant in compound heterozygous state has been reported in simplex retinitis pigmentosa and Joubert syndrome cases (Bravo-Gil et al. 2017. PubMed ID: 28157192; Wang et al. 2015. PubMed ID: 24850569). This variant is reported in 0.0033% of alleles in individuals of South Asian descent in gnomAD. Frameshift variants in CEP290 are expected to be pathogenic. This variant is interpreted as pathogenic.

Literature cited by the submitters: PubMed 28157192 (cited by 4 submitters); PubMed 24850569 (cited by 3 submitters); PubMed 31370859 (cited by Myriad Genetics, Inc. and Women's Health and Genetics/Laboratory Corporation of America, LabCorp); PubMed 30193310 (cited by Labcorp Genetics (formerly Invitae), Labcorp); PubMed 35672425 (cited by Women's Health and Genetics/Laboratory Corporation of America, LabCorp).